The following is an entry in ClinVar:

ClinVar aggregate classification (germline): Uncertain significance (1 of 4 stars; one submission).

Conditions:
Familial hemiplegic migraine. Identifiers: MedGen C0338484, MONDO:0000700.

Submission:

Labcorp Genetics (formerly Invitae), Labcorp
Classification: Uncertain significance for Familial hemiplegic migraine. Last evaluated: 2022-05-08. Review status: criteria provided, single submitter. Criteria: Invitae Variant Classification Sherloc (09022015). Collection method: clinical testing. Allele origin: germline.
Comment: This sequence change replaces threonine, which is neutral and polar, with alanine, which is neutral and non-polar, at codon 811 of the ATP1A2 protein (p.Thr811Ala). In summary, the available evidence is currently insufficient to determine the role of this variant in disease. Therefore, it has been classified as a Variant of Uncertain Significance. Advanced modeling of protein sequence and biophysical properties (such as structural, functional, and spatial information, amino acid conservation, physicochemical variation, residue mobility, and thermodynamic stability) performed at Invitae indicates that this missense variant is expected to disrupt ATP1A2 protein function. This variant has not been reported in the literature in individuals affected with ATP1A2-related conditions. This variant is not present in population databases (gnomAD no frequency).

NM_000702.4(ATP1A2):c.2431A>G (p.Thr811Ala)

Gene: ATP1A2 (ATPase Na+/K+ transporting subunit alpha 2; plus strand). Cytogenetic location: 1q23.2.
Variant type: single nucleotide variant.
Coding change: c.2431A>G on transcript NM_000702.4 (MANE Select); coding-DNA position 2431, A replaced by G.
Protein change: p.Thr811Ala; replaces threonine 811 with alanine.
Molecular consequence: missense variant.
Genome position (GRCh38, 1-based): chr1:160,135,985, A>G. VCF-style: chr1-160135985-A-G. GRCh37 (hg19) VCF-style: chr1-160105775-A-G.
Other names: short protein forms T811A.
Identifiers: ClinVar variation 2135515 (VCV002135515.4), dbSNP rs1651923523, ClinGen allele CA343250909.
Genomic context (GRCh38, chr1:160,135,985, plus strand): 5'-ATCATTGCCAACATCCCCCTACCTCTGGGCACTGTGACCATCCTTTGCATTGACCTGGGC[A>G]CAGATATGGTGAGCGCAGGAGGTGGAGGAGGGGACAGGCAAGGCAATCGTGATGGCACAG-3'
Protein context (NP_000693.1, residues 801-821): TVTILCIDLG[Thr811Ala]DMVPAISLAY